The following is an entry in ClinVar:

ClinVar aggregate classification (germline): Benign. Review status: criteria provided, multiple submitters, no conflicts (2 of 4 stars). 2 submissions from 2 submitters: Benign (2). Last evaluated 2018-06-14.

Allele frequency attached by ClinVar (database versions not stated): gnomAD exomes 0.00194; gnomAD 0.01762 and 0.01869; 1000 Genomes Project 0.01977; TOPMed 0.01989; 1000 Genomes Project 30x 0.02030.
gnomAD v4.1: 3,727 of 645,570 alleles (0.58%); highest among the groups gnomAD compares: African/African-American, 6%; 105 homozygotes.

Submissions (2):

GeneDx
Classification: Benign. Last evaluated: 2018-06-14. Review status: criteria provided, single submitter. Criteria: GeneDx Variant Classification (06012015). Collection method: clinical testing. Allele origin: germline. Affected: yes.
Comment: This variant is considered likely benign or benign based on one or more of the following criteria: it is a conservative change, it occurs at a poorly conserved position in the protein, it is predicted to be benign by multiple in silico algorithms, and/or has population frequency not consistent with disease.

Breakthrough Genomics
Classification: Benign. Review status: criteria provided, single submitter. Criteria: ACMG Guidelines, 2015. Collection method: not provided. Allele origin: germline. Inheritance: Autosomal recessive inheritance. Affected: yes.

NM_000282.4(PCCA):c.415-132T>A

Gene: PCCA (propionyl-CoA carboxylase subunit alpha; plus strand). Cytogenetic location: 13q32.3.
Variant type: single nucleotide variant.
Coding change: c.415-132T>A on transcript NM_000282.4 (MANE Select); 132 bases into the intron before coding-DNA position 415, T replaced by A.
Molecular consequence: intron variant.
Genome position (GRCh38, 1-based): chr13:100,157,155, T>A. VCF-style: chr13-100157155-T-A. GRCh37 (hg19) VCF-style: chr13-100809409-T-A.
Other names: c.415-132T>A (NM_001178004.2, NM_001352605.2, NM_001352606.2 and 1 more transcripts); c.-452-132T>A (NM_001352610.2, NM_001352611.2, NM_001352612.2); c.337-132T>A (NM_001127692.3, NM_001352607.2, NM_001352608.2).
Identifiers: ClinVar variation 676942 (VCV000676942.2), dbSNP rs111596243, ClinGen allele CA255971020.